The following is an entry in ClinVar:

ClinVar aggregate classification (germline): Benign/Likely benign. Review status: criteria provided, multiple submitters, no conflicts (2 of 4 stars). 6 submissions from 6 submitters: Benign (5); Likely benign (1). Last evaluated 2026-02-04.

Conditions:
Primary ciliary dyskinesia. Also called: Ciliary dyskinesia. Identifiers: Orphanet 244, MedGen C0008780, MONDO:0016575, HP:0012265.

Allele frequency attached by ClinVar (database versions not stated): gnomAD 0.00458 and 0.00657; TOPMed 0.00729; gnomAD exomes 0.01436; ExAC 0.01470; 1000 Genomes Project 30x 0.02998; 1000 Genomes Project 0.03315.
gnomAD v4.1: 7,689 of 1,521,768 alleles (0.51%); highest among the groups gnomAD compares: East Asian, 14%; 464 homozygotes.

Submissions (6):

Labcorp Genetics (formerly Invitae), Labcorp
Classification: Benign for Primary ciliary dyskinesia. Last evaluated: 2026-02-04. Review status: criteria provided, single submitter. Criteria: Invitae Variant Classification Sherloc (09022015). Collection method: clinical testing. Allele origin: germline.

Blueprint Genetics
Classification: Benign. Last evaluated: 2024-11-21. Review status: criteria provided, single submitter. Criteria: ACMG Guidelines, 2015. Collection method: clinical testing. Allele origin: germline.

GeneDx
Classification: Benign. Last evaluated: 2018-11-12. Review status: criteria provided, single submitter. Criteria: GeneDx Variant Classification Process June 2021. Collection method: clinical testing. Allele origin: germline. Affected: yes.

Laboratory for Molecular Medicine, Mass General Brigham Personalized Medicine
Classification: Benign. Last evaluated: 2013-02-21. Review status: criteria provided, single submitter. Criteria: LMM Criteria. Collection method: clinical testing. Allele origin: germline. Observed: 1 variant allele.
Comment: 2275-15G>T in intron 13 of DNAH11: This variant is not expected to have clinical significance because it has been identified in 21.5% (43/200) of Han Chinese ch romosomes from a broad population by the 1000 Genomes Project (dbSNP rs60290948).

Breakthrough Genomics
Classification: Likely benign. Review status: criteria provided, single submitter. Criteria: ACMG Guidelines, 2015. Collection method: not provided. Allele origin: germline. Inheritance: Autosomal recessive inheritance. Affected: yes.

PreventionGenetics, part of Exact Sciences
Classification: Benign. Review status: criteria provided, single submitter. Criteria: ACMG Guidelines, 2015. Collection method: clinical testing. Allele origin: germline.

NM_001277115.2(DNAH11):c.2275-15G>T

Gene: DNAH11 (dynein axonemal heavy chain 11; plus strand). Cytogenetic location: 7p15.3.
Variant type: single nucleotide variant.
Coding change: c.2275-15G>T on transcript NM_001277115.2 (MANE Select); 15 bases into the intron before coding-DNA position 2275, G replaced by T.
Molecular consequence: intron variant.
Genome position (GRCh38, 1-based): chr7:21,591,170, G>T. VCF-style: chr7-21591170-G-T. GRCh37 (hg19) VCF-style: chr7-21630788-G-T.
Identifiers: ClinVar variation 226584 (VCV000226584.21), dbSNP rs60290948, ClinGen allele CA4179295.
Genomic context (GRCh38, chr7:21,591,170, plus strand): 5'-TATTTTTACACCTTTAAGACAGAGAAAATAGCTAACATATTTGGCACTTTTTGTTTTGGG[G>T]TTTTCTTTGCTCAGTACATTGGAAATCTTGACCTTCTTGTGCAAGGGTATAATAAACTCA-3'